The following is an entry in ClinVar:

NM_006859.4(LIAS):c.386C>T (p.Thr129Met)

Gene: LIAS (lipoic acid synthetase; plus strand). Cytogenetic location: 4p14.
Variant type: single nucleotide variant.
Coding change: c.386C>T on transcript NM_006859.4 (MANE Select); coding-DNA position 386, C replaced by T.
Protein change: p.Thr129Met; replaces threonine 129 with methionine.
Molecular consequence: missense variant. On other transcripts: nonsense (2).
Genome position (GRCh38, 1-based): chr4:39,463,598, C>T. VCF-style: chr4-39463598-C-T. GRCh37 (hg19) VCF-style: chr4-39465218-C-T.
Other names: c.386C>T, p.Thr129Met (NM_001278590.2, NM_001278591.2, NM_194451.3); c.292C>T, p.Arg98Ter (NM_001278592.2, NM_001363700.2); short protein forms T129M, R98*.
Identifiers: ClinVar variation 954948 (VCV000954948.7), dbSNP rs142293392, ClinGen allele CA2894655.
Genomic context (GRCh38, chr4:39,463,598, plus strand): 5'-CTCGATGTCCCAATATTGGAGAGTGTTGGGGAGGTGGAGAATATGCCACCGCCACAGCCA[C>T]GATCATGGTAGGGCCAGCCTCAACCTCTATGGCTTTAGTCTAGAAACTGAAAGGGACTAT-3'
Protein context (NP_006850.2, residues 119-139): GGGEYATATA[Thr129Met]IMLMGDTCTR

ClinVar aggregate classification (germline): Uncertain significance (1 of 4 stars; one submission).

Conditions:
Lipoic acid synthetase deficiency. Also called: HYPERGLYCINEMIA, LACTIC ACIDOSIS, AND SEIZURES. Identifiers: Orphanet 401859, MedGen C3280887, MONDO:0013762, OMIM 614462.

Allele frequency attached by ClinVar (database versions not stated): ExAC 0.00002; gnomAD exomes 0.00002 and 0.00008; TOPMed 0.00002; gnomAD 0.00005; ESP Exome Variant Server 0.00015.

Submission:

Labcorp Genetics (formerly Invitae), Labcorp
Classification: Uncertain significance for Lipoic acid synthetase deficiency. Last evaluated: 2024-09-16. Review status: criteria provided, single submitter. Criteria: Invitae Variant Classification Sherloc (09022015). Collection method: clinical testing. Allele origin: germline.
Comment: This sequence change replaces threonine, which is neutral and polar, with methionine, which is neutral and non-polar, at codon 129 of the LIAS protein (p.Thr129Met). This variant is present in population databases (rs142293392, gnomAD 0.005%). This variant has not been reported in the literature in individuals affected with LIAS-related conditions. ClinVar contains an entry for this variant (Variation ID: 954948). Invitae Evidence Modeling of protein sequence and biophysical properties (such as structural, functional, and spatial information, amino acid conservation, physicochemical variation, residue mobility, and thermodynamic stability) indicates that this missense variant is expected to disrupt LIAS protein function with a positive predictive value of 80%. In summary, the available evidence is currently insufficient to determine the role of this variant in disease. Therefore, it has been classified as a Variant of Uncertain Significance.